The following is an entry in ClinVar:

NM_020771.4(HACE1):c.2313C>T (p.Ser771=)

Gene: HACE1 (HECT domain and ankyrin repeat containing E3 ubiquitin protein ligase 1; minus strand). Cytogenetic location: 6q16.3.
Variant type: single nucleotide variant.
Coding change: c.2313C>T on transcript NM_020771.4 (MANE Select); coding-DNA position 2313, C replaced by T.
Protein change: p.Ser771=; no amino-acid change (serine 771 retained).
Molecular consequence: synonymous variant. On other transcripts: non-coding transcript variant (7).
Genome position (GRCh38, 1-based): chr6:104,750,371, G>A on the plus strand (C>T on the coding strand, the complement: HACE1 is on the minus strand). VCF-style: chr6-104750371-G-A. GRCh37 (hg19) VCF-style: chr6-105198246-G-A.
Other names: c.2181C>T, p.Ser727= (NM_001321080.2); c.2211C>T, p.Ser737= (NM_001321083.2); c.1809C>T, p.Ser603= (NM_001321084.2, NM_001350557.2, NM_001350558.2); c.2079C>T, p.Ser693= (NM_001350554.2); c.2022C>T, p.Ser674= (NM_001350555.2); c.1827C>T, p.Ser609= (NM_001350556.2); c.1731C>T, p.Ser577= (NM_001350559.2); c.1530C>T, p.Ser510= (NM_001350560.2).
Identifiers: ClinVar variation 1991245 (VCV001991245.28), dbSNP rs1366242023, ClinGen allele CA451386287.

ClinVar aggregate classification (germline): Likely benign. Review status: criteria provided, multiple submitters, no conflicts (2 of 4 stars). 2 submissions from 2 submitters: Likely benign (2). Last evaluated 2022-11-01.

Allele frequency attached by ClinVar (database versions not stated): TOPMed below 0.00001; gnomAD exomes 0.00001.
gnomAD v4.1: 13 of 1,612,554 alleles (0.00081%); highest among the groups gnomAD compares: Non-Finnish European, 0.001%; no homozygotes.

Submissions (2):

CeGaT Center for Human Genetics Tuebingen
Classification: Likely benign. Last evaluated: 2022-11-01. Review status: criteria provided, single submitter. Criteria: CeGaT Center For Human Genetics Tuebingen Variant Classification Criteria Version 2. Collection method: clinical testing. Allele origin: germline. Affected: yes. Observed: 1 variant allele.
Comment: HACE1: BP4, BP7

Labcorp Genetics (formerly Invitae), Labcorp
Classification: Likely benign. Last evaluated: 2022-08-23. Review status: criteria provided, single submitter. Criteria: Invitae Variant Classification Sherloc (09022015). Collection method: clinical testing. Allele origin: germline.